The following is an entry in ClinVar:

ClinVar aggregate classification (germline): Uncertain significance (1 of 4 stars; one submission).

Conditions:
Dilated cardiomyopathy 1G (CMD1G). Identifiers: Orphanet 154, MedGen C1858763, MONDO:0011400, OMIM 604145.
Autosomal recessive limb-girdle muscular dystrophy type 2J (LGMDR10). Also called: Limb-girdle muscular dystrophy, type 2J; MUSCULAR DYSTROPHY, LIMB-GIRDLE, AUTOSOMAL RECESSIVE 10. Identifiers: Orphanet 140922, MedGen C1837342, MONDO:0012127, OMIM 608807.

Submission:

Labcorp Genetics (formerly Invitae), Labcorp
Classification: Uncertain significance for Dilated cardiomyopathy 1G; Autosomal recessive limb-girdle muscular dystrophy type 2J. Last evaluated: 2024-12-11. Review status: criteria provided, single submitter. Criteria: Invitae Variant Classification Sherloc (09022015). Collection method: clinical testing. Allele origin: germline.
Comment: This sequence change replaces asparagine, which is neutral and polar, with serine, which is neutral and polar, at codon 34321 of the TTN protein (p.Asn34321Ser). This variant is not present in population databases (gnomAD no frequency). This variant has not been reported in the literature in individuals affected with TTN-related conditions. An algorithm developed to predict the effect of missense changes on protein structure and function outputs the following: PolyPhen-2: "Not Available". The serine amino acid residue is found in multiple mammalian species, which suggests that this missense change does not adversely affect protein function. This variant is located in the M band of TTN (PMID: 25589632). Non-truncating variants in this region may be relevant for neuromuscular disorders, but have not been definitively shown to cause cardiomyopathy (PMID: 23975875). In summary, the available evidence is currently insufficient to determine the role of this variant in disease. Therefore, it has been classified as a Variant of Uncertain Significance.

Literature cited by the submitters: PubMed 25589632; PubMed 23975875.

NM_001267550.2(TTN):c.102962A>G (p.Asn34321Ser)

Genes: TTN (titin; minus strand), TTN-AS1 (TTN antisense RNA 1; plus strand). Cytogenetic location: 2q31.2.
Variant type: single nucleotide variant.
Coding change: c.102962A>G on transcript NM_001267550.2 (MANE Select); coding-DNA position 102962, A replaced by G.
Protein change: p.Asn34321Ser; replaces asparagine 34321 with serine.
Molecular consequence: missense variant.
Genome position (GRCh38, 1-based): chr2:178,533,653, T>C on the plus strand (A>G on the coding strand, the complement: TTN is on the minus strand). VCF-style: chr2-178533653-T-C. GRCh37 (hg19) VCF-style: chr2-179398380-T-C.
Other names: c.98039A>G, p.Asn32680Ser (NM_001256850.1); c.75767A>G, p.Asn25256Ser (NM_003319.4); c.95258A>G, p.Asn31753Ser (NM_133378.4); c.76142A>G, p.Asn25381Ser (NM_133432.3); c.76343A>G, p.Asn25448Ser (NM_133437.4); short protein forms N25256S, N25381S, N25448S, N31753S, N32680S, N34321S.
Identifiers: ClinVar variation 3749476 (VCV003749476.2).